The following is an entry in ClinVar:

ClinVar aggregate classification (germline): Uncertain significance (1 of 4 stars; one submission).

Conditions:
CTNNB1-related disorder. Also called: CTNNB1-related condition.

Submission:

PreventionGenetics, part of Exact Sciences
Classification: Uncertain significance for CTNNB1-related condition. Last evaluated: 2025-12-09. Review status: criteria provided, single submitter. Criteria: ACMG Guidelines, 2015. Collection method: clinical testing. Allele origin: germline.
Comment: The CTNNB1 c.1707A>G variant is predicted to result in the amino acid substitution p.Ile569Met. To our knowledge, this variant has not been reported in the literature or in a large population database (gnomAD), indicating this variant is rare. At this time, the clinical significance of this variant is uncertain due to the absence of conclusive functional and genetic evidence.

NM_001904.4(CTNNB1):c.1707A>G (p.Ile569Met)

Gene: CTNNB1 (catenin beta 1; plus strand). Cytogenetic location: 3p22.1.
Variant type: single nucleotide variant.
Coding change: c.1707A>G on transcript NM_001904.4 (MANE Select); coding-DNA position 1707, A replaced by G.
Protein change: p.Ile569Met; replaces isoleucine 569 with methionine.
Molecular consequence: missense variant.
Genome position (GRCh38, 1-based): chr3:41,235,747, A>G. VCF-style: chr3-41235747-A-G. GRCh37 (hg19) VCF-style: chr3-41277238-A-G.
Other names: c.1707A>G, p.Ile569Met (NM_001098209.2, NM_001098210.2, NM_001438871.1 and 4 more transcripts); c.1686A>G, p.Ile562Met (NM_001330729.2); short protein forms I569M, I562M.
Identifiers: ClinVar variation 4999358 (VCV004999358.1).
Genomic context (GRCh38, chr3:41,235,747, plus strand): 5'-AGAATGCCCTGTTTGTTAACCATGTTTCTTTTGGCAGGAGGGGGTCCGCATGGAAGAAAT[A>G]GTTGAAGGTTGTACCGGAGCCCTTCACATCCTAGCTCGGGATGTTCACAACCGAATTGTT-3'
Protein context (NP_001895.1, residues 559-579): QFVEGVRMEE[Ile569Met]VEGCTGALHI